The following is an entry in ClinVar:

NM_001370259.2(MEN1):c.783+4A>G

Gene: MEN1 (menin 1; minus strand). Cytogenetic location: 11q13.1.
Variant type: single nucleotide variant.
Coding change: c.783+4A>G on transcript NM_001370259.2 (MANE Select); 4 bases into the intron after coding-DNA position 783, A replaced by G.
Molecular consequence: intron variant.
Genome position (GRCh38, 1-based): chr11:64,807,548, T>C on the plus strand (A>G on the coding strand, the complement: MEN1 is on the minus strand). VCF-style: chr11-64807548-T-C. GRCh37 (hg19) VCF-style: chr11-64575020-T-C.
Other names: c.798+4A>G (NM_130804.3, NM_130803.3, NM_000244.4 and 5 more transcripts); c.678+4A>G (NM_001407148.1, NM_001407149.1, NM_001407151.1 and 2 more transcripts); c.783+4A>G (NM_130799.3, NM_001407144.1, NM_001370260.2 and 7 more transcripts).
Identifiers: ClinVar variation 2626589 (VCV002626589.2), dbSNP rs2497202795, ClinGen allele CA2582341873.

ClinVar aggregate classification (germline): Uncertain significance (1 of 4 stars; one submission).

Conditions:
Hereditary cancer-predisposing syndrome. Also called: Tumor predisposition; Hereditary Cancer Syndrome; Hereditary neoplastic syndrome; Neoplastic Syndromes, Hereditary. Identifiers: Orphanet 140162, MedGen C0027672, MeSH D009386, MONDO:0015356.

Submission:

Ambry Genetics
Classification: Uncertain significance for Hereditary cancer-predisposing syndrome. Last evaluated: 2023-07-14. Review status: criteria provided, single submitter. Criteria: Ambry Variant Classification Scheme 2023. Collection method: clinical testing. Allele origin: germline.
Comment: The c.783+4A>G intronic variant results from an A to G substitution 4 nucleotides after coding exon 3 in the MEN1 gene. This nucleotide position is conserved on limited sequence alignment. In silico splice site analysis predicts that this alteration will not have any significant effect on splicing. Since supporting evidence is limited at this time, the clinical significance of this alteration remains unclear.